The following is an entry in ClinVar:

NM_001037333.3(CYFIP2):c.748G>A (p.Glu250Lys)

Gene: CYFIP2 (cytoplasmic FMR1 interacting protein 2; plus strand). Cytogenetic location: 5q33.3.
Variant type: single nucleotide variant.
Coding change: c.748G>A on transcript NM_001037333.3 (MANE Select); coding-DNA position 748, G replaced by A.
Protein change: p.Glu250Lys; replaces glutamic acid 250 with lysine.
Molecular consequence: missense variant.
Genome position (GRCh38, 1-based): chr5:157,304,319, G>A. VCF-style: chr5-157304319-G-A. GRCh37 (hg19) VCF-style: chr5-156731327-G-A.
Other names: c.748G>A (NM_001037333.2); c.670G>A, p.Glu224Lys (NM_001291721.2); c.748G>A, p.Glu250Lys (NM_001291722.2, NM_014376.4); short protein forms E224K, E250K.
Identifiers: ClinVar variation 2767765 (VCV002767765.4), dbSNP rs779088823, ClinGen allele CA130162445.
Genomic context (GRCh38, chr5:157,304,319, plus strand): 5'-GTGATCCCAGGCTATGAGGAGCTGCTGGCTGACATTGTCAACATCTGTGTGGATTACTAC[G>A]AGAACAAGATGTACCTGACTCCCAGTGAGAAACATATGCTCCTCAAGGTAAAACTCCCCT-3'
Protein context (NP_001032410.1, residues 240-260): DIVNICVDYY[Glu250Lys]NKMYLTPSEK

ClinVar aggregate classification (germline): Uncertain significance. Review status: criteria provided, multiple submitters, no conflicts (2 of 4 stars). 2 submissions from 2 submitters: Uncertain significance (2). Last evaluated 2024-03-25.

gnomAD v4.1: 3 of 1,613,970 alleles (0.00019%); highest among the groups gnomAD compares: Non-Finnish European, 0.00025%; no homozygotes.

Submissions (2):

GeneDx
Classification: Uncertain significance. Last evaluated: 2024-03-25. Review status: criteria provided, single submitter. Criteria: GeneDx Variant Classification Process June 2021. Collection method: clinical testing. Allele origin: germline. Affected: yes.
Comment: Not observed at significant frequency in large population cohorts (gnomAD); In silico analysis supports that this missense variant has a deleterious effect on protein structure/function; Has not been previously published as pathogenic or benign to our knowledge

Labcorp Genetics (formerly Invitae), Labcorp
Classification: Uncertain significance. Last evaluated: 2023-10-12. Review status: criteria provided, single submitter. Criteria: Invitae Variant Classification Sherloc (09022015). Collection method: clinical testing. Allele origin: germline.
Comment: This sequence change replaces glutamic acid, which is acidic and polar, with lysine, which is basic and polar, at codon 250 of the CYFIP2 protein (p.Glu250Lys). This variant is not present in population databases (gnomAD no frequency). This variant has not been reported in the literature in individuals affected with CYFIP2-related conditions. Experimental studies and prediction algorithms are not available or were not evaluated, and the functional significance of this variant is currently unknown. In summary, the available evidence is currently insufficient to determine the role of this variant in disease. Therefore, it has been classified as a Variant of Uncertain Significance.